The following is an entry in ClinVar:

ClinVar aggregate classification (germline): Uncertain significance (1 of 4 stars; one submission).

Allele frequency attached by ClinVar (database versions not stated): gnomAD exomes below 0.00001; TOPMed 0.00003.
gnomAD v4.1: 1 of 1,613,982 alleles (0.000062%); highest among the groups gnomAD compares: Admixed American, 0.0017%; no homozygotes.

Submission:

Labcorp Genetics (formerly Invitae), Labcorp
Classification: Uncertain significance. Last evaluated: 2025-12-01. Review status: criteria provided, single submitter. Criteria: Invitae Variant Classification Sherloc (09022015). Collection method: clinical testing. Allele origin: germline.
Comment: This sequence change replaces glycine, which is neutral and non-polar, with aspartic acid, which is acidic and polar, at codon 40 of the SGMS2 protein (p.Gly40Asp). This variant is not present in population databases (gnomAD no frequency). This variant has not been reported in the literature in individuals affected with SGMS2-related conditions. ClinVar contains an entry for this variant (Variation ID: 1449494). An algorithm developed to predict the effect of missense changes on protein structure and function outputs the following: PolyPhen-2: "Benign". The aspartic acid amino acid residue is found in multiple mammalian species, which suggests that this missense change does not adversely affect protein function. In summary, the available evidence is currently insufficient to determine the role of this variant in disease. Therefore, it has been classified as a Variant of Uncertain Significance.

NM_001375905.1(SGMS2):c.119G>A (p.Gly40Asp)

Genes: CYP2U1-AS1 (CYP2U1 and SGMS2 antisense RNA 1; minus strand), SGMS2 (sphingomyelin synthase 2; plus strand). Cytogenetic location: 4q25.
Variant type: single nucleotide variant.
Coding change: c.119G>A on transcript NM_001375905.1 (MANE Select); coding-DNA position 119, G replaced by A.
Protein change: p.Gly40Asp; replaces glycine 40 with aspartic acid.
Molecular consequence: missense variant. On other transcripts: intron variant (1).
Genome position (GRCh38, 1-based): chr4:107,895,672, G>A. VCF-style: chr4-107895672-G-A. GRCh37 (hg19) VCF-style: chr4-108816828-G-A.
Other names: c.119G>A, p.Gly40Asp (NM_001136257.2, NM_001136258.2, NM_001375906.1 and 4 more transcripts); c.-64-3903G>A (NM_001375911.1); short protein forms G40D.
Identifiers: ClinVar variation 1449494 (VCV001449494.7), dbSNP rs1730604246, ClinGen allele CA357834952.